The following is an entry in ClinVar:

ClinVar aggregate classification (germline): Uncertain significance. Review status: criteria provided, multiple submitters, no conflicts (2 of 4 stars). 2 submissions from 2 submitters: Uncertain significance (2). Last evaluated 2026-01-29.

Conditions:
Hajdu-Cheney syndrome (HJCYS). Also called: Acroosteolysis dominant type; ACROOSTEOLYSIS WITH OSTEOPOROSIS AND CHANGES IN SKULL AND MANDIBLE; SERPENTINE FIBULA-POLYCYSTIC KIDNEY SYNDROME. Identifiers: Orphanet 955, MedGen C0917715, MONDO:0007057, OMIM 102500.
NOTCH2-related disorder. Also called: NOTCH2-related condition.

Allele frequency attached by ClinVar (database versions not stated): gnomAD exomes below 0.00001; TOPMed below 0.00001; gnomAD 0.00001; ExAC 0.00002; 1000 Genomes Project 0.00040; 1000 Genomes Project 30x 0.00062.
gnomAD v4.1: 3 of 1,614,178 alleles (0.00019%); highest among the groups gnomAD compares: Admixed American, 0.005%; no homozygotes.

Submissions (2):

PreventionGenetics, part of Exact Sciences
Classification: Uncertain significance for NOTCH2-related condition. Last evaluated: 2026-01-29. Review status: criteria provided, single submitter. Criteria: ACMG Guidelines, 2015. Collection method: clinical testing. Allele origin: germline.
Comment: The NOTCH2 c.6549G>A variant is predicted to result in the amino acid substitution p.Met2183Ile. To our knowledge, this variant has not been reported in the literature. This variant is reported in 0.0058% of alleles in individuals of Latino descent in gnomAD. At this time, the clinical significance of this variant is uncertain due to the absence of conclusive functional and genetic evidence.

Labcorp Genetics (formerly Invitae), Labcorp
Classification: Uncertain significance for Hajdu-Cheney syndrome. Last evaluated: 2024-05-22. Review status: criteria provided, single submitter. Criteria: Invitae Variant Classification Sherloc (09022015). Collection method: clinical testing. Allele origin: germline.
Comment: This sequence change replaces methionine, which is neutral and non-polar, with isoleucine, which is neutral and non-polar, at codon 2183 of the NOTCH2 protein (p.Met2183Ile). This variant is present in population databases (rs587695537, gnomAD 0.006%). This variant has not been reported in the literature in individuals affected with NOTCH2-related conditions. Advanced modeling of protein sequence and biophysical properties (such as structural, functional, and spatial information, amino acid conservation, physicochemical variation, residue mobility, and thermodynamic stability) performed at Invitae indicates that this missense variant is not expected to disrupt NOTCH2 protein function with a negative predictive value of 80%. In summary, the available evidence is currently insufficient to determine the role of this variant in disease. Therefore, it has been classified as a Variant of Uncertain Significance.

NM_024408.4(NOTCH2):c.6549G>A (p.Met2183Ile)

Gene: NOTCH2 (notch receptor 2; minus strand). Cytogenetic location: 1p12.
Variant type: single nucleotide variant.
Coding change: c.6549G>A on transcript NM_024408.4 (MANE Select); coding-DNA position 6549, G replaced by A.
Protein change: p.Met2183Ile; replaces methionine 2183 with isoleucine.
Molecular consequence: missense variant.
Genome position (GRCh38, 1-based): chr1:119,916,173, C>T on the plus strand (G>A on the coding strand, the complement: NOTCH2 is on the minus strand). VCF-style: chr1-119916173-C-T. GRCh37 (hg19) VCF-style: chr1-120458796-C-T.
Other names: c.6549G>A (NM_024408.3); short protein forms M2183I.
Identifiers: ClinVar variation 2733301 (VCV002733301.4), dbSNP rs587695537, ClinGen allele CA1039407.